The following is an entry in ClinVar:

ClinVar aggregate classification (germline): Uncertain significance (1 of 4 stars; one submission).

Conditions:
FGFR3-related disorder. Also called: FGFR3-related disorders.

Allele frequency attached by ClinVar (database versions not stated): TOPMed below 0.00001; gnomAD exomes below 0.00001.
gnomAD v4.1: 1 of 1,603,328 alleles (0.000062%); highest among the groups gnomAD compares: Admixed American, 0.0017%; no homozygotes.

Submission:

PreventionGenetics, part of Exact Sciences
Classification: Uncertain significance for FGFR3-related condition. Last evaluated: 2023-03-01. Review status: criteria provided, single submitter. Criteria: ACMG Guidelines, 2015. Collection method: clinical testing. Allele origin: germline.
Comment: The FGFR3 c.2341C>T variant is predicted to result in the amino acid substitution p.Leu781Phe. To our knowledge, this variant has not been reported in the literature or in a large population database, indicating this variant is rare. At this time, the clinical significance of this variant is uncertain due to the absence of conclusive functional and genetic evidence.

NM_000142.5(FGFR3):c.2409C>T (p.Gly803=)

Gene: FGFR3 (fibroblast growth factor receptor 3; plus strand). Cytogenetic location: 4p16.3.
Variant type: single nucleotide variant.
Coding change: c.2409C>T on transcript NM_000142.5 (MANE Select); coding-DNA position 2409, C replaced by T.
Protein change: p.Gly803=; no amino-acid change (glycine 803 retained).
Molecular consequence: synonymous variant. On other transcripts: missense variant (1), non-coding transcript variant (1).
Genome position (GRCh38, 1-based): chr4:1,807,250, C>T. VCF-style: chr4-1807250-C-T. GRCh37 (hg19) VCF-style: chr4-1808977-C-T.
Other names: c.2415C>T, p.Gly805= (NM_001163213.2); c.2412C>T, p.Gly804= (NM_001354809.2); c.2341C>T, p.Leu781Phe (NM_001354810.2); c.2073C>T, p.Gly691= (NM_022965.4); short protein forms L781F.
Identifiers: ClinVar variation 2630303 (VCV002630303.1), dbSNP rs1180851738, ClinGen allele CA355987953.